The following is an entry in ClinVar:

ClinVar aggregate classification (germline): Uncertain significance (1 of 4 stars; one submission).

Conditions:
Charlevoix-Saguenay spastic ataxia (SACS). Also called: SPASTIC ATAXIA 6, AUTOSOMAL RECESSIVE; Spastic ataxia of Charlevoix-Saguenay; AUTOSOMAL RECESSIVE SPASTIC ATAXIA OF CHARLEVOIX-SAGUENAY. Identifiers: Orphanet 98, MedGen C1849140, MONDO:0010041, OMIM 270550.

Submission:

3billion
Classification: Uncertain significance for Charlevoix-Saguenay spastic ataxia. Last evaluated: 2025-12-16. Review status: criteria provided, single submitter. Criteria: ACMG Guidelines, 2015. Collection method: clinical testing. Allele origin: germline. Affected: yes.
Comment: The variant is not observed in the gnomAD v4.1.0 dataset. Predicted Consequence/Location: Missense variant. The majority of the known disease-causing variants of this gene are variants expected to result in premature termination of the protein. In silico tool prediction suggests damaging effect of the variant on gene or gene product [REVEL: 0.86 (>=0.6, sensitivity 0.68 and specificity 0.92)]. A different missense change at the same codon (p.His4090Asn) has been reported to be associated with SACS-related disorder (ClinVar ID: VCV000989008 /PMID: 34983064). Therefore, this variant is classified as VUS according to the recommendation of ACMG/AMP guideline.

Literature cited by the submitters: PubMed 34983064.

NM_014363.6(SACS):c.12269A>G (p.His4090Arg)

Gene: SACS (sacsin molecular chaperone; minus strand). Cytogenetic location: 13q12.12.
Variant type: single nucleotide variant.
Coding change: c.12269A>G on transcript NM_014363.6 (MANE Select); coding-DNA position 12269, A replaced by G.
Protein change: p.His4090Arg; replaces histidine 4090 with arginine.
Molecular consequence: missense variant.
Genome position (GRCh38, 1-based): chr13:23,331,607, T>C on the plus strand (A>G on the coding strand, the complement: SACS is on the minus strand). VCF-style: chr13-23331607-T-C. GRCh37 (hg19) VCF-style: chr13-23905746-T-C.
Other names: c.11828A>G, p.His3943Arg (NM_001278055.2); c.12296A>G, p.His4099Arg (NM_001437336.1); short protein forms H3943R, H4090R, H4099R.
Identifiers: ClinVar variation 4854408 (VCV004854408.1).